The following is an entry in ClinVar:

ClinVar aggregate classification (germline): Conflicting classifications of pathogenicity. Review status: criteria provided, conflicting classifications (1 of 4 stars). 11 submissions from 11 submitters: Uncertain significance (8); Likely benign (1). 2 of the submissions do not count toward it. Last evaluated 2026-07-20.

Conditions:
ATM-related disorder. Also called: ATM-related disorders; ATM-related condition.
Breast and/or ovarian cancer. Identifiers: MedGen CN221562.
Hereditary cancer-predisposing syndrome. Also called: Tumor predisposition; Neoplastic Syndromes, Hereditary; Hereditary neoplastic syndrome; Hereditary Cancer Syndrome. Identifiers: Orphanet 140162, MedGen C0027672, MeSH D009386, MONDO:0015356.
Familial cancer of breast. Also called: BREAST CANCER, FAMILIAL; Hereditary breast cancer; hereditary breast carcinoma. Identifiers: Orphanet 227535, MedGen C0346153, MONDO:0016419, OMIM 114480. Disease mechanism: loss of function.
Ataxia-telangiectasia syndrome (AT). Also called: Ataxia-telangiectasia, complementation group D; AT, COMPLEMENTATION GROUP C; Cerebello-oculocutaneous telangiectasia; Immunodeficiency with ataxia telangiectasia; ATAXIA-TELANGIECTASIA, COMPLEMENTATION GROUP A; ATAXIA-TELANGIECTASIA, FRESNO VARIANT. Identifiers: Orphanet 100, MedGen C0004135, MONDO:0008840, OMIM 208900.

Allele frequency attached by ClinVar (database versions not stated): 1000 Genomes Project 30x 0.00016; 1000 Genomes Project 0.00020.
gnomAD v4.1: 25 of 1,613,880 alleles (0.0015%); highest among the groups gnomAD compares: South Asian, 0.016%; no homozygotes.

Submissions (11):

GeneDx
Classification: Uncertain significance. Last evaluated: 2026-07-20. Review status: criteria provided, single submitter. Criteria: GeneDx Variant Classification Process June 2021. Collection method: clinical testing. Allele origin: germline.
Comment: In silico analysis indicates that this missense variant does not alter protein structure/function; This variant is associated with the following publications: (PMID: 29522266, 30093976)

PreventionGenetics, part of Exact Sciences
Classification: Uncertain significance for ATM-related condition. Last evaluated: 2026-07-13. Review status: criteria provided, single submitter. Criteria: ACMG Guidelines, 2015. Collection method: clinical testing. Allele origin: germline.
Comment: The ATM c.1703G>A variant is predicted to result in the amino acid substitution p.Arg568Lys. This variant was reported in an individual with a history of both cervical and breast cancer (Chan et al. 2018. PubMed ID: 30093976) and a cohort of individuals that met clinical criteria for hereditary breast and/or ovarian cancer (Hauke et al. 2018. PubMed ID: 29522266). It is reported in 0.020% of alleles in individuals of South Asian descent in gnomAD and has conflicting interpretations in ClinVar ranging from likely benign to uncertain (Variation ID: 142348). At this time, the clinical significance of this variant is uncertain due to the absence of conclusive functional and genetic evidence.

Labcorp Genetics (formerly Invitae), Labcorp
Classification: Uncertain significance for Ataxia-telangiectasia syndrome. Last evaluated: 2026-02-02. Review status: criteria provided, single submitter. Criteria: Invitae Variant Classification Sherloc (09022015). Collection method: clinical testing. Allele origin: germline.
Comment: This sequence change replaces arginine, which is basic and polar, with lysine, which is basic and polar, at codon 568 of the ATM protein (p.Arg568Lys). This variant is present in population databases (rs200381392, gnomAD 0.02%). This missense change has been observed in individual(s) with breast and cervical cancer (PMID: 30093976). ClinVar contains an entry for this variant (Variation ID: 142348). Invitae Evidence Modeling of protein sequence and biophysical properties (such as structural, functional, and spatial information, amino acid conservation, physicochemical variation, residue mobility, and thermodynamic stability) indicates that this missense variant is not expected to disrupt ATM protein function with a negative predictive value of 95%. In summary, the available evidence is currently insufficient to determine the role of this variant in disease. Therefore, it has been classified as a Variant of Uncertain Significance.

Quest Diagnostics Nichols Institute San Juan Capistrano
Classification: Uncertain significance. Last evaluated: 2025-10-27. Review status: criteria provided, single submitter. Criteria: Quest Diagnostics criteria. Collection method: clinical testing. Allele origin: unknown.

Ambry Genetics
Classification: Likely benign for Hereditary cancer-predisposing syndrome. Last evaluated: 2025-10-04. Review status: criteria provided, single submitter. Criteria: Ambry Variant Classification Scheme 2023. Collection method: clinical testing. Allele origin: germline.

KCCC/NGS Laboratory, Kuwait Cancer Control Center
Classification: Uncertain significance for Familial cancer of breast. Last evaluated: 2025-07-08. Review status: criteria provided, single submitter. Criteria: ACMG Guidelines, 2015. Collection method: clinical testing. Allele origin: germline. Inheritance: Autosomal dominant inheritance. Affected: yes. Observed: 1 heterozygote.
Comment: This sequence change replaces arginine, which is basic and polar, with lysine, which is basic and polar, at codon 568 of the ATM protein (p.Arg568Lys). This amino acid position is not well conserved. This variant is present in population databases (rs200381392, gnomAD 0.02%). This missense change has been observed in individual(s) with breast and cervical cancer (PMID: 30093976). ClinVar contains an entry for this variant (Variation ID: 142348).In addition, this alteration is predicted to be tolerated by in silico analysis. In summary, the available evidence is currently insufficient to determine the role of this variant in disease. Therefore, it has been classified as a Variant of Uncertain Significance.

Color Diagnostics, LLC DBA Color Health
Classification: Uncertain significance for Hereditary cancer-predisposing syndrome. Last evaluated: 2025-03-04. Review status: criteria provided, single submitter. Criteria: ACMG Guidelines, 2015. Collection method: clinical testing. Allele origin: germline.
Comment: This missense variant replaces arginine with lysine at codon 568 of the ATM protein. Computational prediction suggests that this variant may not impact protein structure and function. To our knowledge, functional studies have not been reported for this variant. In a large international case-control study, this variant was reported in 17/60466 breast cancer cases and 13/53461 controls (OR=1.156, 95%CI 0.562 to 2.381, p-value=0.719; PMID: 33471991). This variant has been identified in 9/251228 chromosomes in the general population by the Genome Aggregation Database (gnomAD). The available evidence is insufficient to determine the role of this variant in disease conclusively. Therefore, this variant is classified as a Variant of Uncertain Significance.

Baylor Genetics
Classification: Uncertain significance for Familial cancer of breast. Last evaluated: 2023-10-16. Review status: criteria provided, single submitter. Criteria: ACMG Guidelines, 2015. Collection method: clinical testing. Allele origin: unknown.

CHEO Genetics Diagnostic Laboratory, Children's Hospital of Eastern Ontario
Classification: Uncertain significance for Breast and/or ovarian cancer. Last evaluated: 2022-12-21. Review status: criteria provided, single submitter. Criteria: ACMG Guidelines, 2015. Collection method: clinical testing. Allele origin: germline.

Natera, Inc.
Classification: Uncertain significance for Ataxia-telangiectasia. Last evaluated: 2020-09-16. Review status: no assertion criteria provided. Collection method: clinical testing. Allele origin: germline. Not counted in ClinVar's aggregate classification.

Counsyl
Classification: Uncertain significance for Ataxia-telangiectasia syndrome. Last evaluated: 2017-12-07. Review status: no assertion criteria provided. Collection method: clinical testing. Allele origin: unknown. Not counted in ClinVar's aggregate classification.

Literature cited by the submitters: PubMed 30093976 (cited by Labcorp Genetics (formerly Invitae), Labcorp and Ambry Genetics); PubMed 29522266 (cited by Ambry Genetics).

NM_000051.4(ATM):c.1703G>A (p.Arg568Lys)

Gene: ATM (ATM serine/threonine kinase; plus strand). Cytogenetic location: 11q22.3.
Variant type: single nucleotide variant.
Coding change: c.1703G>A on transcript NM_000051.4 (MANE Select); coding-DNA position 1703, G replaced by A.
Protein change: p.Arg568Lys; replaces arginine 568 with lysine.
Molecular consequence: missense variant.
Genome position (GRCh38, 1-based): chr11:108,251,932, G>A. VCF-style: chr11-108251932-G-A. GRCh37 (hg19) VCF-style: chr11-108122659-G-A.
Other names: c.1703G>A, p.Arg568Lys (NM_001351834.2); short protein forms R568K.
Identifiers: ClinVar variation 142348 (VCV000142348.33), dbSNP rs200381392, ClinGen allele CA168134.
Genomic context (GRCh38, chr11:108,251,932, plus strand): 5'-CCAGTATAGTTCCAGGAACGGTAAAAATGGGAATAGAGCAAAATATGTGTGAAGTAAATA[G>A]AAGCTTTTCTTTAAAGGAATCAATAATGAAATGGCTCTTATTCTATCAGTTAGAGGGTGA-3'
Protein context (NP_000042.3, residues 558-578): GIEQNMCEVN[Arg568Lys]SFSLKESIMK